The following is an entry in ClinVar:

ClinVar aggregate classification (germline): Uncertain significance. Review status: criteria provided, multiple submitters, no conflicts (2 of 4 stars). 2 submissions from 2 submitters: Uncertain significance (2). Last evaluated 2026-07-06.

Conditions:
Hereditary cancer-predisposing syndrome. Also called: Hereditary Cancer Syndrome; Hereditary neoplastic syndrome; Neoplastic Syndromes, Hereditary; Tumor predisposition. Identifiers: Orphanet 140162, MedGen C0027672, MeSH D009386, MONDO:0015356.
Renal cell carcinoma. Identifiers: Orphanet 217071, MedGen C0007134, MeSH D002292, MONDO:0005086, HP:0005584.

Submissions (2):

Ambry Genetics
Classification: Uncertain significance for Hereditary cancer-predisposing syndrome. Last evaluated: 2026-07-06. Review status: criteria provided, single submitter. Criteria: Ambry Variant Classification Scheme 2023. Collection method: clinical testing. Allele origin: germline.
Comment: The p.H1351P variant (also known as c.4052A>C), located in coding exon 20 of the MET gene, results from an A to C substitution at nucleotide position 4052. The histidine at codon 1351 is replaced by proline, an amino acid with similar properties. This amino acid position is conserved. In addition, the in silico prediction for this alteration is inconclusive. Based on the available evidence, the clinical significance of this variant remains unclear.

Labcorp Genetics (formerly Invitae), Labcorp
Classification: Uncertain significance for Renal cell carcinoma. Last evaluated: 2023-04-17. Review status: criteria provided, single submitter. Criteria: Invitae Variant Classification Sherloc (09022015). Collection method: clinical testing. Allele origin: germline.
Comment: In summary, the available evidence is currently insufficient to determine the role of this variant in disease. Therefore, it has been classified as a Variant of Uncertain Significance. Advanced modeling of protein sequence and biophysical properties (such as structural, functional, and spatial information, amino acid conservation, physicochemical variation, residue mobility, and thermodynamic stability) performed at Invitae indicates that this missense variant is not expected to disrupt MET protein function. This variant has not been reported in the literature in individuals affected with MET-related conditions. This variant is not present in population databases (gnomAD no frequency). This sequence change replaces histidine, which is basic and polar, with proline, which is neutral and non-polar, at codon 1369 of the MET protein (p.His1369Pro).

NM_000245.4(MET):c.4052A>C (p.His1351Pro)

Gene: MET (MET proto-oncogene, receptor tyrosine kinase; plus strand). Cytogenetic location: 7q31.2.
Variant type: single nucleotide variant.
Coding change: c.4052A>C on transcript NM_000245.4 (MANE Select); coding-DNA position 4052, A replaced by C.
Protein change: p.His1351Pro; replaces histidine 1351 with proline.
Molecular consequence: missense variant.
Genome position (GRCh38, 1-based): chr7:116,796,003, A>C. VCF-style: chr7-116796003-A-C. GRCh37 (hg19) VCF-style: chr7-116436057-A-C.
Other names: c.4106A>C, p.His1369Pro (NM_001127500.3); c.2762A>C, p.His921Pro (NM_001324402.2); c.4052A>C (NM_000245.2); short protein forms H1351P, H1369P, H921P.
Identifiers: ClinVar variation 2857152 (VCV002857152.4), dbSNP rs1490801483, ClinGen allele CA369118295.
Genomic context (GRCh38, chr7:116,796,003, plus strand): 5'-CTGAACTGGTGTCCCGGATATCAGCGATCTTCTCTACTTTCATTGGGGAGCACTATGTCC[A>C]TGTGAACGCTACTTATGTGAACGTAAAATGTGTCGCTCCGTATCCTTCTCTGTTGTCATC-3'
Protein context (NP_000236.2, residues 1341-1361): FSTFIGEHYV[His1351Pro]VNATYVNVKC